The following is an entry in ClinVar:

ClinVar aggregate classification (germline): Uncertain significance. Review status: criteria provided, multiple submitters, no conflicts (2 of 4 stars). 3 submissions from 3 submitters: Uncertain significance (3). Last evaluated 2025-03-08.

Conditions:
Inborn genetic diseases. Identifiers: MedGen C0950123, MeSH D030342.

Allele frequency attached by ClinVar (database versions not stated): ExAC 0.00001; gnomAD exomes 0.00001; ESP Exome Variant Server 0.00008.
gnomAD v4.1: 17 of 1,614,180 alleles (0.0011%); highest among the groups gnomAD compares: Admixed American, 0.0017%; no homozygotes.

Submissions (3):

Ambry Genetics
Classification: Uncertain significance for Inborn genetic diseases. Last evaluated: 2025-03-08. Review status: criteria provided, single submitter. Criteria: Ambry Variant Classification Scheme 2023. Collection method: clinical testing. Allele origin: germline.
Comment: The p.R199W variant (also known as c.595C>T), located in coding exon 5 of the ETV6 gene, results from a C to T substitution at nucleotide position 595. The arginine at codon 199 is replaced by tryptophan, an amino acid with dissimilar properties. This amino acid position is conserved. In addition, this alteration is predicted to be tolerated by in silico analysis. Based on the available evidence, the clinical significance of this variant remains unclear.

GeneDx
Classification: Uncertain significance. Last evaluated: 2024-05-13. Review status: criteria provided, single submitter. Criteria: GeneDx Variant Classification Process June 2021. Collection method: clinical testing. Allele origin: germline. Affected: yes.
Comment: Not observed at significant frequency in large population cohorts (gnomAD); In silico analysis indicates that this missense variant does not alter protein structure/function; Has not been previously published as pathogenic or benign to our knowledge; This variant is associated with the following publications: (PMID: 28555414, 28637624)

Labcorp Genetics (formerly Invitae), Labcorp
Classification: Uncertain significance. Last evaluated: 2023-04-25. Review status: criteria provided, single submitter. Criteria: Invitae Variant Classification Sherloc (09022015). Collection method: clinical testing. Allele origin: germline.
Comment: This sequence change replaces arginine, which is basic and polar, with tryptophan, which is neutral and slightly polar, at codon 199 of the ETV6 protein (p.Arg199Trp). In summary, the available evidence is currently insufficient to determine the role of this variant in disease. Therefore, it has been classified as a Variant of Uncertain Significance. Advanced modeling of protein sequence and biophysical properties (such as structural, functional, and spatial information, amino acid conservation, physicochemical variation, residue mobility, and thermodynamic stability) performed at Invitae indicates that this missense variant is not expected to disrupt ETV6 protein function. This variant has not been reported in the literature in individuals affected with ETV6-related conditions. This variant is present in population databases (rs373494708, gnomAD 0.003%).

NM_001987.5(ETV6):c.595C>T (p.Arg199Trp)

Gene: ETV6 (ETS variant transcription factor 6; plus strand). Cytogenetic location: 12p13.2.
Variant type: single nucleotide variant.
Coding change: c.595C>T on transcript NM_001987.5 (MANE Select); coding-DNA position 595, C replaced by T.
Protein change: p.Arg199Trp; replaces arginine 199 with tryptophan.
Molecular consequence: missense variant.
Genome position (GRCh38, 1-based): chr12:11,869,555, C>T. VCF-style: chr12-11869555-C-T. GRCh37 (hg19) VCF-style: chr12-12022489-C-T.
Other names: c.592C>T, p.Arg198Trp (NM_001413913.1); c.568C>T, p.Arg190Trp (NM_001413914.1); c.331C>T, p.Arg111Trp (NM_001413915.1); c.595C>T, p.Arg199Trp (NM_001413916.1, NM_001413917.1); short protein forms R111W, R190W, R199W, R198W.
Identifiers: ClinVar variation 2868348 (VCV002868348.5), dbSNP rs373494708, ClinGen allele CA6454292.